The following is an entry in ClinVar:

ClinVar aggregate classification (germline): Uncertain significance (1 of 4 stars; one submission).

Allele frequency attached by ClinVar (database versions not stated): TOPMed below 0.00001.

Submission:

Labcorp Genetics (formerly Invitae), Labcorp
Classification: Uncertain significance. Last evaluated: 2022-06-23. Review status: criteria provided, single submitter. Criteria: Invitae Variant Classification Sherloc (09022015). Collection method: clinical testing. Allele origin: germline.
Comment: In summary, the available evidence is currently insufficient to determine the role of this variant in disease. Therefore, it has been classified as a Variant of Uncertain Significance. This sequence change replaces valine, which is neutral and non-polar, with alanine, which is neutral and non-polar, at codon 158 of the GNB3 protein (p.Val158Ala). This variant is not present in population databases (gnomAD no frequency). This variant has not been reported in the literature in individuals affected with GNB3-related conditions. Algorithms developed to predict the effect of missense changes on protein structure and function are either unavailable or do not agree on the potential impact of this missense change (SIFT: "Deleterious"; PolyPhen-2: "Benign"; Align-GVGD: "Class C25").

NM_002075.4(GNB3):c.473T>C (p.Val158Ala)

Gene: GNB3 (G protein subunit beta 3; plus strand). Cytogenetic location: 12p13.31.
Variant type: single nucleotide variant.
Coding change: c.473T>C on transcript NM_002075.4 (MANE Select); coding-DNA position 473, T replaced by C.
Protein change: p.Val158Ala; replaces valine 158 with alanine.
Molecular consequence: missense variant.
Genome position (GRCh38, 1-based): chr12:6,843,674, T>C. VCF-style: chr12-6843674-T-C. GRCh37 (hg19) VCF-style: chr12-6952838-T-C.
Other names: c.473T>C, p.Val158Ala (NM_001297571.2); short protein forms V158A.
Identifiers: ClinVar variation 2056779 (VCV002056779.4), dbSNP rs1943619812, ClinGen allele CA383672933.